The following is an entry in ClinVar:

NM_025074.7(FRAS1):c.2598C>T (p.Thr866=)

Gene: FRAS1 (Fraser extracellular matrix complex subunit 1; plus strand). Cytogenetic location: 4q21.21.
Variant type: single nucleotide variant.
Coding change: c.2598C>T on transcript NM_025074.7 (MANE Select); coding-DNA position 2598, C replaced by T.
Protein change: p.Thr866=; no amino-acid change (threonine 866 retained).
Molecular consequence: synonymous variant.
Genome position (GRCh38, 1-based): chr4:78,363,930, C>T. VCF-style: chr4-78363930-C-T. GRCh37 (hg19) VCF-style: chr4-79285084-C-T.
Other names: p.Thr866=; c.2598C>T, p.Thr866= (NM_001166133.2).
Identifiers: ClinVar variation 349698 (VCV000349698.42), dbSNP rs149802708, ClinGen allele CA2976692.
Genomic context (GRCh38, chr4:78,363,930, plus strand): 5'-ACATCATGGTTTCTGTTGTGTCTCTTTTTCCTCTGCAGAATGCCACTCCTCCTGCAGAAC[C>T]TGCCAGGGCAGAGGACCTTTCTCCTGCTCCTCATGTGACACCAACCTCGTGCTGTCCCAC-3'
Protein context (NP_079350.5, residues 856-876): ACKKCHSSCR[Thr866=]CQGRGPFSCS

ClinVar aggregate classification (germline): Conflicting classifications of pathogenicity. Review status: criteria provided, conflicting classifications (1 of 4 stars). 8 submissions from 8 submitters: Uncertain significance (1); Likely benign (5). 2 of the submissions do not count toward it. Last evaluated 2026-01-28.

Conditions:
Fraser syndrome 1 (FRASRS1). Also called: CRYPTOPHTHALMOS WITH OTHER MALFORMATIONS. Identifiers: Orphanet 2052, MedGen C4551480, MONDO:0054737, OMIM 219000.

Allele frequency attached by ClinVar (database versions not stated): 1000 Genomes Project 30x 0.00016; ESP Exome Variant Server 0.00016; 1000 Genomes Project 0.00020; gnomAD 0.00058 and 0.00059; gnomAD exomes 0.00059 and 0.00074; ExAC 0.00060; TOPMed 0.00068.
gnomAD v4.1: 1,165 of 1,611,418 alleles (0.072%); highest among the groups gnomAD compares: Non-Finnish European, 0.088%; 1 homozygote.

Submissions (8):

Labcorp Genetics (formerly Invitae), Labcorp
Classification: Likely benign. Last evaluated: 2026-01-28. Review status: criteria provided, single submitter. Criteria: Invitae Variant Classification Sherloc (09022015). Collection method: clinical testing. Allele origin: germline.

Mayo Clinic Laboratories, Mayo Clinic
Classification: Likely benign. Last evaluated: 2025-06-22. Review status: criteria provided, single submitter. Criteria: ACMG Guidelines, 2015. Collection method: clinical testing. Allele origin: germline. Observed: 1 variant allele.
Comment: BP4, BP7

Laboratory of Genetics, Children's Clinical University Hospital Latvia
Classification: Likely benign. Last evaluated: 2025-02-16. Review status: criteria provided, single submitter. Criteria: ACMG Guidelines, 2015. Collection method: clinical testing. Allele origin: germline. Affected: yes.

Blueprint Genetics
Classification: Likely benign. Last evaluated: 2024-09-03. Review status: criteria provided, single submitter. Criteria: ACMG Guidelines, 2015. Collection method: clinical testing. Allele origin: germline.

CeGaT Center for Human Genetics Tuebingen
Classification: Likely benign. Last evaluated: 2024-06-01. Review status: criteria provided, single submitter. Criteria: CeGaT Center For Human Genetics Tuebingen Variant Classification Criteria Version 2. Collection method: clinical testing. Allele origin: germline. Affected: yes. Observed: 3 variant alleles.
Comment: FRAS1: BP4, BP7

Illumina Laboratory Services, Illumina
Classification: Uncertain significance for Fraser syndrome 1. Last evaluated: 2018-01-13. Review status: criteria provided, single submitter. Criteria: ICSL Variant Classification Criteria 13 December 2019. Collection method: clinical testing. Allele origin: germline.

Clinical Genetics DNA and cytogenetics Diagnostics Lab, Erasmus MC, Erasmus Medical Center
Classification: Likely benign. Review status: no assertion criteria provided. Collection method: clinical testing. Allele origin: germline. Affected: yes. Study: VKGL Data-share Consensus. Not counted in ClinVar's aggregate classification.

Genome Diagnostics Laboratory, University Medical Center Utrecht
Classification: Likely benign. Review status: no assertion criteria provided. Collection method: clinical testing. Allele origin: germline. Affected: yes. Study: VKGL Data-share Consensus. Not counted in ClinVar's aggregate classification.